The following is an entry in ClinVar:

ClinVar aggregate classification (germline): Uncertain significance (1 of 4 stars; one submission).

Submission:

Labcorp Genetics (formerly Invitae), Labcorp
Classification: Uncertain significance. Last evaluated: 2024-08-05. Review status: criteria provided, single submitter. Criteria: Invitae Variant Classification Sherloc (09022015). Collection method: clinical testing. Allele origin: germline.
Comment: This sequence change replaces alanine, which is neutral and non-polar, with valine, which is neutral and non-polar, at codon 66 of the MESP1 protein (p.Ala66Val). This variant is not present in population databases (gnomAD no frequency). This variant has not been reported in the literature in individuals affected with MESP1-related conditions. An algorithm developed to predict the effect of missense changes on protein structure and function (PolyPhen-2) suggests that this variant is likely to be disruptive. In summary, the available evidence is currently insufficient to determine the role of this variant in disease. Therefore, it has been classified as a Variant of Uncertain Significance.

NM_018670.4(MESP1):c.197C>T (p.Ala66Val)

Genes: MESP1 (mesoderm posterior bHLH transcription factor 1; minus strand), LOC130057889 (ATAC-STARR-seq lymphoblastoid silent region 6804; plus strand). Cytogenetic location: 15q26.1.
Variant type: single nucleotide variant.
Coding change: c.197C>T on transcript NM_018670.4 (MANE Select); coding-DNA position 197, C replaced by T.
Protein change: p.Ala66Val; replaces alanine 66 with valine.
Molecular consequence: missense variant.
Genome position (GRCh38, 1-based): chr15:89,751,035, G>A on the plus strand (C>T on the coding strand, the complement: MESP1 is on the minus strand). VCF-style: chr15-89751035-G-A. GRCh37 (hg19) VCF-style: chr15-90294266-G-A.
Other names: short protein forms A66V.
Identifiers: ClinVar variation 3678428 (VCV003678428.2).